The following is an entry in ClinVar:

NM_001267550.2(TTN):c.91570C>T (p.Pro30524Ser)

Genes: TTN (titin; minus strand), TTN-AS1 (TTN antisense RNA 1; plus strand). Cytogenetic location: 2q31.2.
Variant type: single nucleotide variant.
Coding change: c.91570C>T on transcript NM_001267550.2 (MANE Select); coding-DNA position 91570, C replaced by T.
Protein change: p.Pro30524Ser; replaces proline 30524 with serine.
Molecular consequence: missense variant.
Genome position (GRCh38, 1-based): chr2:178,550,268, G>A on the plus strand (C>T on the coding strand, the complement: TTN is on the minus strand). VCF-style: chr2-178550268-G-A. GRCh37 (hg19) VCF-style: chr2-179414995-G-A.
Other names: c.86647C>T, p.Pro28883Ser (NM_001256850.1); c.64375C>T, p.Pro21459Ser (NM_003319.4); c.83866C>T, p.Pro27956Ser (NM_133378.4); c.64750C>T, p.Pro21584Ser (NM_133432.3); c.64951C>T, p.Pro21651Ser (NM_133437.4); short protein forms P27956S, P30524S, P21459S, P21584S, P28883S, P21651S.
Identifiers: ClinVar variation 191855 (VCV000191855.4), dbSNP rs199930508, ClinGen allele CA237710.

ClinVar aggregate classification (germline): Conflicting classifications of pathogenicity. Review status: criteria provided, conflicting classifications (1 of 4 stars). 3 submissions from 3 submitters: Uncertain significance (2); Likely benign (1). Last evaluated 2026-05-01.

Conditions:
TTN-related disorder. Also called: TTN-related condition; TTN-related disease; TTN-related disorders.

Allele frequency attached by ClinVar (database versions not stated): gnomAD 0.00001; ExAC 0.00002; gnomAD exomes 0.00003; TOPMed 0.00003.
gnomAD v4.1: 22 of 1,605,356 alleles (0.0014%); highest among the groups gnomAD compares: Admixed American, 0.025%; no homozygotes.

Submissions (3):

CeGaT Center for Human Genetics Tuebingen
Classification: Likely benign. Last evaluated: 2026-05-01. Review status: criteria provided, single submitter. Criteria: CeGaT Center For Human Genetics Tuebingen Variant Classification Criteria Version 2. Collection method: clinical testing. Allele origin: germline. Affected: yes. Observed: 1 variant allele.
Comment: TTN: BP1

PreventionGenetics, part of Exact Sciences
Classification: Uncertain significance for TTN-related condition. Last evaluated: 2026-01-14. Review status: criteria provided, single submitter. Criteria: ACMG Guidelines, 2015. Collection method: clinical testing. Allele origin: germline.
Comment: The TTN c.91570C>T variant is predicted to result in the amino acid substitution p.Pro30524Ser. To our knowledge, this variant has not been reported in the literature. This variant is reported in 0.021% of alleles in individuals of Latino descent in gnomAD. An alternative coding sequence change giving rise to the same amino acid alteration has been reported in an individual from an exome sequencing cohort in which clinical details were unavailable (referred to as c.83865C>T, p.Pro27956Ser from transcript NM_133378 in Supplemental Table 3, Ng et al. 2013. PubMed ID: 23861362). At this time, the clinical significance of this variant is uncertain due to the absence of conclusive functional and genetic evidence.

Biesecker Lab/Clinical Genomics Section, National Institutes of Health
Classification: Uncertain significance. Last evaluated: 2013-06-24. Review status: criteria provided, single submitter. Criteria: Ng et al. (Circ Cardiovasc Genet. 2013). Collection method: research. Allele origin: unknown. Observed: 1 variant allele. Study: ClinSeq.
Comment: The study set was not selected for affection status in relation to any cancer. Pathogenicity categories were based on literature curation. See Pubmed ID:23861362 for details.

Medical sequencing